The following is an entry in ClinVar:

NM_006895.3(HNMT):c.137+2287G>A

Gene: HNMT (histamine N-methyltransferase; plus strand). Cytogenetic location: 2q22.1.
Variant type: single nucleotide variant.
Coding change: c.137+2287G>A on transcript NM_006895.3 (MANE Select); 2287 bases into the intron after coding-DNA position 137, G replaced by A.
Molecular consequence: intron variant.
Genome position (GRCh38, 1-based): chr2:137,966,915, G>A. VCF-style: chr2-137966915-G-A. GRCh37 (hg19) VCF-style: chr2-138724485-G-A.
Other names: NC_000002.11:g.138724485G>A; c.137+2287G>A (NM_001024075.3); c.138-182G>A (NM_001024074.3).
Identifiers: ClinVar variation 2502178 (VCV002502178.3), dbSNP rs186485844, ClinGen allele CA57010566.

ClinVar aggregate classification (germline): Uncertain significance (1 of 4 stars; one submission).

Conditions:
Inherited susceptibility to asthma. Also called: Asthma, susceptibility to; ASTHMA, BRONCHIAL; ASTHMA-RELATED TRAITS, SUSCEPTIBILITY TO. Identifiers: MedGen C1869116, MONDO:0010940, OMIM 600807.
Intellectual developmental disorder, autosomal recessive 51. Also called: Intellectual disability, autosomal recessive 51. Identifiers: Orphanet 88616, MedGen C4225220, MONDO:0014759, OMIM 616739.

Allele frequency attached by ClinVar (database versions not stated): TOPMed 0.00142; 1000 Genomes Project 30x 0.00219; 1000 Genomes Project 0.00240.
gnomAD v4.1: 232 of 151,794 alleles (0.15%); highest among the groups gnomAD compares: South Asian, 1%; 1 homozygote.

Submissions (4):

New York Genome Center
Classification: Uncertain significance for Intellectual developmental disorder, autosomal recessive 51; Inherited susceptibility to asthma. Last evaluated: 2022-06-10. Review status: criteria provided, single submitter. Criteria: NYGC Assertion Criteria 2020. Collection method: clinical testing. Allele origin: inherited. Observed: 1 compound heterozygote.
Comment: The c.137+2287G>A variant in HNMT has not previously been reported in the literature or public variant repositories (ClinVar and LOVD). The c.137+2287G>A variantis observed in 494 alleles (~0.0015% minor allele frequency with 1 homozygote) in population databases (gnomAD v3.1.2 and TOPMed Freeze 8), with >1% minor allele frequency in two subpopulations. The c.137+2287G>A variant is located in intron 1 of this 5-exon gene, and is moderately predicted to affect mRNA splicing (splice AI=0.57 for acceptor gain, 0.27 for acceptor loss), which might result in exon skipping or full/partial intron retention and lead to loss-of-function via nonsense mediated decay; however, there are no functional studies to support or refute these predictions. Based on available evidence this inherited c.137+2287G>A variant identified in HNMT is classified as a Variant of Uncertain Significance.

Dr. Peter K. Rogan Lab, Western University
No classification provided (evidence only). Condition: Cervical cancer. Review status: no classification provided. Collection method: in vitro. Allele origin: not applicable. Functional consequence: retained intron. Not counted in ClinVar's aggregate classification.

Dr. Peter K. Rogan Lab, Western University
No classification provided (evidence only). Condition: Cervical cancer. Review status: no classification provided. Collection method: in vitro. Allele origin: not applicable. Functional consequence: retained intron. Not counted in ClinVar's aggregate classification.

Dr. Peter K. Rogan Lab, Western University
No classification provided (evidence only). Condition: Ovarian serous cystadenocarcinoma. Review status: no classification provided. Collection method: in vitro. Allele origin: not applicable. Functional consequence: retained intron. Not counted in ClinVar's aggregate classification.